The following is an entry in ClinVar:

ClinVar aggregate classification (germline): Uncertain significance (1 of 4 stars; one submission).

Conditions:
MYBPC1-related disorder. Also called: MYBPC1-related condition.

Submission:

PreventionGenetics, part of Exact Sciences
Classification: Uncertain significance for MYBPC1-related condition. Last evaluated: 2026-08-04. Review status: criteria provided, single submitter. Criteria: ACMG Guidelines, 2015. Collection method: clinical testing. Allele origin: germline.
Comment: The MYBPC1 c.1556_1557delinsAA variant is predicted to result in an in-frame deletion and insertion. To our knowledge, this variant has not been reported in the literature or in a large population database (gnomAD), indicating this variant is rare. At this time, the clinical significance of this variant is uncertain due to the absence of conclusive functional and genetic evidence.

NM_002465.4(MYBPC1):c.1556_1557delinsAA (p.Leu519Gln)

Gene: MYBPC1 (myosin binding protein C1; plus strand). Cytogenetic location: 12q23.2.
Variant type: Indel.
Coding change: c.1556_1557delinsAA on transcript NM_002465.4 (MANE Select); coding-DNA positions 1556 to 1557, TC replaced by AA.
Protein change: p.Leu519Gln; replaces leucine 519 with glutamine.
Molecular consequence: missense variant.
Genome position (GRCh38, 1-based): chr12:101,652,707-101,652,708, TC replaced by AA. VCF-style: chr12-101652707-TC-AA. GRCh37 (hg19) VCF-style: chr12-102046485-TC-AA.
Other names: c.1481_1482delinsAA, p.Leu494Gln (NM_001254718.3, NM_001254719.3, NM_206820.4 and 1 more transcripts); c.1445_1446delinsAA, p.Leu482Gln (NM_001254720.3); c.1424_1425delinsAA, p.Leu475Gln (NM_001254721.3, NM_001404676.1, NM_001404678.1); c.1403_1404delinsAA, p.Leu468Gln (NM_001254722.3, NM_001404680.1); c.1442_1443delinsAA, p.Leu481Gln (NM_001254723.3); c.1556_1557delinsAA, p.Leu519Gln (NM_001404675.1, NM_206819.4); c.1346_1347delinsAA, p.Leu449Gln (NM_001404677.1, NM_001404679.1, NM_001404681.1); short protein forms L475Q, L481Q, L519Q, L482Q, L494Q, L449Q, L468Q.
Identifiers: ClinVar variation 4996524 (VCV004996524.1).